The following is an entry in ClinVar:

NM_000540.3(RYR1):c.1011G>T (p.Glu337Asp)

Gene: RYR1 (ryanodine receptor 1; plus strand). Cytogenetic location: 19q13.2.
Variant type: single nucleotide variant.
Coding change: c.1011G>T on transcript NM_000540.3 (MANE Select); coding-DNA position 1011, G replaced by T.
Protein change: p.Glu337Asp; replaces glutamic acid 337 with aspartic acid.
Molecular consequence: missense variant.
Genome position (GRCh38, 1-based): chr19:38,448,702, G>T. VCF-style: chr19-38448702-G-T. GRCh37 (hg19) VCF-style: chr19-38939342-G-T.
Other names: c.1011G>T, p.Glu337Asp (NM_001042723.2); short protein forms E337D.
Identifiers: ClinVar variation 3376639 (VCV003376639.1).

ClinVar aggregate classification (germline): Uncertain significance (1 of 4 stars; one submission).

Conditions:
Central core myopathy (CMYO1A). Also called: CONGENITAL MYOPATHY 1A, AUTOSOMAL DOMINANT, WITH SUSCEPTIBILITY TO MALIGNANT HYPERTHERMIA; Central core disease; Myopathy, central fibrillar. Identifiers: Orphanet 597, MedGen C5830701, MONDO:0007294, OMIM 117000.

Submission:

Victorian Clinical Genetics Services, Murdoch Childrens Research Institute
Classification: Uncertain significance for Central core myopathy. Last evaluated: 2022-09-02. Review status: criteria provided, single submitter. Criteria: ACMG Guidelines, 2015. Collection method: clinical testing. Allele origin: germline. Affected: yes.
Comment: Based on the classification scheme VCGS_Germline_v1.3.4, this variant is classified as VUS-3A. Following criteria are met: 0103 - Loss of function and gain of function are known mechanisms of disease in this gene and are associated with RYR1-related disorders (OMIM). Gain of function mechanism has been described in the context of malignant hyperthermia susceptibility (MIM#145600) and monoallelic central core disease and congenital neuromuscular disease with uniform type 1 fiber (MIM#117000). Biallelic central core disease, congenital neuromuscular disease with uniform type 1 fiber (MIM#117000) and minicore myopathy with external ophthalmoplegia (MIM#255320) are associated with a loss of function mechanism (PMIDs: 27855725, 23919265). (I) 0108 - This gene is associated with both recessive and dominant disease (OMIM). (I) 0200 - Variant is predicted to result in a missense amino acid change from glutamic acid to aspartic acid. (I) 0251 - This variant is heterozygous. (I) 0301 - Variant is absent from gnomAD (both v2 and v3). (SP) 0502 - Missense variant with conflicting in silico predictions and uninformative conservation. (I) 0602 - Variant is located in a hotspot region or cluster of pathogenic variants. This variant is located within the N-terminal MIR domain, which has been described by RYR1-specific guidelines to be a hotspot region (DECIPHER, PMID: 33767344). (SP) 0705 - No comparable missense variants have previous evidence for pathogenicity. (I) 0807 - This variant has no previous evidence of pathogenicity. (I) 0905 - No published segregation evidence has been identified for this variant. (I) 1007 - No published functional evidence has been identified for this variant. (I) 1208 - Inheritance information for this variant is not currently available in this individual. (I) Legend: (SP) - Supporting pathogenic, (I) - Information, (SB) - Supporting benign

Literature cited by the submitters: PubMed 23919265; PubMed 27855725; PubMed 33767344.